The following is an entry in ClinVar:

NC_000003.12:g.169764681C>T

Gene: TERC (telomerase RNA component; minus strand). Cytogenetic location: 3q26.2.
Variant type: single nucleotide variant.
Genome position: GRCh38 VCF-style: chr3-169764681-C-T. GRCh37 (hg19) VCF-style: chr3-169482469-C-T.
Identifiers: ClinVar variation 2055310 (VCV002055310.4), dbSNP rs371867605, ClinGen allele CA87623788.

ClinVar aggregate classification (germline): Uncertain significance (1 of 4 stars; one submission).

Conditions:
Dyskeratosis congenita, autosomal dominant 1 (DKCA1). Also called: Dyskeratosis congenita Scoggins type. Identifiers: Orphanet 1775, MedGen C4551974, MONDO:0007485, OMIM 127550. Inheritance: Variable.

Submission:

Labcorp Genetics (formerly Invitae), Labcorp
Classification: Uncertain significance for Dyskeratosis congenita, autosomal dominant 1. Last evaluated: 2022-04-13. Review status: criteria provided, single submitter. Criteria: Invitae Variant Classification Sherloc (09022015). Collection method: clinical testing. Allele origin: germline.
Comment: This variant occurs in the TERC gene, which encodes an RNA molecule that does not result in a protein product. This variant is not present in population databases (gnomAD no frequency). In summary, the available evidence is currently insufficient to determine the role of this variant in disease. Therefore, it has been classified as a Variant of Uncertain Significance. This variant is located within the BoxH/ACA scaRNA domain of the TERC RNA component, which is required for telomerase activity (PMID: 21844345). This variant has not been reported in the literature in individuals affected with TERC-related conditions.

Literature cited by the submitters: PubMed 21844345.